The following is an entry in ClinVar:

NM_001134407.3(GRIN2A):c.3460C>A (p.Pro1154Thr)

Gene: GRIN2A (glutamate ionotropic receptor NMDA type subunit 2A; minus strand). Cytogenetic location: 16p13.2.
Variant type: single nucleotide variant.
Coding change: c.3460C>A on transcript NM_001134407.3 (MANE Select); coding-DNA position 3460, C replaced by A.
Protein change: p.Pro1154Thr; replaces proline 1154 with threonine.
Molecular consequence: missense variant.
Genome position (GRCh38, 1-based): chr16:9,764,084, G>T on the plus strand (C>A on the coding strand, the complement: GRIN2A is on the minus strand). VCF-style: chr16-9764084-G-T. GRCh37 (hg19) VCF-style: chr16-9857941-G-T.
Other names: c.3460C>A, p.Pro1154Thr (NM_000833.5, NM_001134408.2); short protein forms P1154T.
Identifiers: ClinVar variation 1465171 (VCV001465171.8), dbSNP rs1900742896, ClinGen allele CA394707699.

ClinVar aggregate classification (germline): Uncertain significance (1 of 4 stars; one submission).

Conditions:
Landau-Kleffner syndrome (FESD). Also called: EPILEPSY, FOCAL, WITH SPEECH DISORDER AND WITH OR WITHOUT MENTAL RETARDATION; APHASIA, ACQUIRED, WITH EPILEPSY. Identifiers: Orphanet 1945, Orphanet 725, Orphanet 98818, MedGen C0282512, MONDO:0009509, OMIM 245570.

gnomAD v4.1: 4 of 1,613,534 alleles (0.00025%); highest among the groups gnomAD compares: Non-Finnish European, 0.00034%; no homozygotes.

Submission:

Labcorp Genetics (formerly Invitae), Labcorp
Classification: Uncertain significance for Landau-Kleffner syndrome. Last evaluated: 2024-02-16. Review status: criteria provided, single submitter. Criteria: Invitae Variant Classification Sherloc (09022015). Collection method: clinical testing. Allele origin: germline.
Comment: This sequence change replaces proline, which is neutral and non-polar, with threonine, which is neutral and polar, at codon 1154 of the GRIN2A protein (p.Pro1154Thr). This variant is not present in population databases (gnomAD no frequency). This variant has not been reported in the literature in individuals affected with GRIN2A-related conditions. ClinVar contains an entry for this variant (Variation ID: 1465171). Advanced modeling of protein sequence and biophysical properties (such as structural, functional, and spatial information, amino acid conservation, physicochemical variation, residue mobility, and thermodynamic stability) performed at Invitae indicates that this missense variant is not expected to disrupt GRIN2A protein function with a negative predictive value of 95%. In summary, the available evidence is currently insufficient to determine the role of this variant in disease. Therefore, it has been classified as a Variant of Uncertain Significance.